The following is an entry in ClinVar:

NM_021102.4(SPINT2):c.292G>A (p.Asp98Asn)

Gene: SPINT2 (serine peptidase inhibitor, Kunitz type 2; plus strand). Cytogenetic location: 19q13.2.
Variant type: single nucleotide variant.
Coding change: c.292G>A on transcript NM_021102.4 (MANE Select); coding-DNA position 292, G replaced by A.
Protein change: p.Asp98Asn; replaces aspartic acid 98 with asparagine.
Molecular consequence: missense variant.
Genome position (GRCh38, 1-based): chr19:38,287,890, G>A. VCF-style: chr19-38287890-G-A. GRCh37 (hg19) VCF-style: chr19-38778530-G-A.
Other names: c.121G>A, p.Asp41Asn (NM_001166103.2); short protein forms D41N, D98N.
Identifiers: ClinVar variation 2008455 (VCV002008455.4), dbSNP rs2513593202, ClinGen allele CA405631571.

ClinVar aggregate classification (germline): Uncertain significance (1 of 4 stars; one submission).

Allele frequency attached by ClinVar (database versions not stated): gnomAD exomes below 0.00001.

Submission:

Labcorp Genetics (formerly Invitae), Labcorp
Classification: Uncertain significance. Last evaluated: 2024-04-29. Review status: criteria provided, single submitter. Criteria: Invitae Variant Classification Sherloc (09022015). Collection method: clinical testing. Allele origin: germline.
Comment: This sequence change replaces aspartic acid, which is acidic and polar, with asparagine, which is neutral and polar, at codon 98 of the SPINT2 protein (p.Asp98Asn). This variant is not present in population databases (gnomAD no frequency). This variant has not been reported in the literature in individuals affected with SPINT2-related conditions. ClinVar contains an entry for this variant (Variation ID: 2008455). Advanced modeling of protein sequence and biophysical properties (such as structural, functional, and spatial information, amino acid conservation, physicochemical variation, residue mobility, and thermodynamic stability) performed at Invitae indicates that this missense variant is not expected to disrupt SPINT2 protein function with a negative predictive value of 80%. In summary, the available evidence is currently insufficient to determine the role of this variant in disease. Therefore, it has been classified as a Variant of Uncertain Significance.